The following is an entry in ClinVar:

ClinVar aggregate classification (germline): Uncertain significance (1 of 4 stars; one submission).

Submission:

CeGaT Center for Human Genetics Tuebingen
Classification: Uncertain significance. Last evaluated: 2024-04-01. Review status: criteria provided, single submitter. Criteria: CeGaT Center For Human Genetics Tuebingen Variant Classification Criteria Version 2. Collection method: clinical testing. Allele origin: germline. Affected: yes. Observed: 1 variant allele.
Comment: SIN3A: PM2, PP2

NM_001145358.2(SIN3A):c.1855C>T (p.Leu619Phe)

Gene: SIN3A (SIN3 transcription regulator family member A; minus strand). Cytogenetic location: 15q24.2.
Variant type: single nucleotide variant.
Coding change: c.1855C>T on transcript NM_001145358.2 (MANE Select); coding-DNA position 1855, C replaced by T.
Protein change: p.Leu619Phe; replaces leucine 619 with phenylalanine.
Molecular consequence: missense variant.
Genome position (GRCh38, 1-based): chr15:75,396,496, G>A on the plus strand (C>T on the coding strand, the complement: SIN3A is on the minus strand). VCF-style: chr15-75396496-G-A. GRCh37 (hg19) VCF-style: chr15-75688837-G-A.
Other names: c.1855C>T, p.Leu619Phe (NM_001145357.2, NM_015477.3); short protein forms L619F.
Identifiers: ClinVar variation 3234768 (VCV003234768.20), dbSNP rs2542611941, ClinGen allele CA393495601.